The following is an entry in ClinVar:

ClinVar aggregate classification (germline): Uncertain significance. Review status: criteria provided, multiple submitters, no conflicts (2 of 4 stars). 2 submissions from 2 submitters: Uncertain significance (2). Last evaluated 2026-09-08.

Conditions:
Fabry disease. Also called: Angiokeratoma corporis diffusum; Fabry's disease; ALPHA-GALACTOSIDASE A DEFICIENCY; ANDERSON-FABRY DISEASE; CERAMIDE TRIHEXOSIDASE DEFICIENCY; GLA DEFICIENCY. Identifiers: Orphanet 324, MedGen C0002986, MONDO:0010526, OMIM 301500, HP:0001071. Disease mechanism: Fabry disease is due to inactivating mutations in the X-linked GLA gene resulting in deficiency of the enzyme Alpha Galactosidase-A., loss of function.

Submissions (2):

Genomenon, Inc
Classification: Uncertain significance for Fabry disease. Last evaluated: 2026-09-08. Review status: criteria provided, single submitter. Criteria: Genomenon Sequence Variant Interpretation Standards - Updated. Collection method: curation. Allele origin: germline. Affected: yes.
Comment: GLA p.Tyr216Ser (c.647A>C) is a missense variant that changes the amino acid at codon 216 from Tyrosine to Serine. This variant has been observed in at least one proband with clinical features consistent with Fabry disease (PMID:31860127). It is absent or not present at a significant frequency in gnomAD. In silico models predict that this variant is possibly or probably damaging. In conclusion, we classify GLA p.Tyr216Ser (c.647A>C) as a variant of uncertain significance.

Labcorp Genetics (formerly Invitae), Labcorp
Classification: Uncertain significance for Fabry disease. Last evaluated: 2024-10-28. Review status: criteria provided, single submitter. Criteria: Invitae Variant Classification Sherloc (09022015). Collection method: clinical testing. Allele origin: germline.
Comment: This sequence change replaces tyrosine, which is neutral and polar, with serine, which is neutral and polar, at codon 216 of the GLA protein (p.Tyr216Ser). This variant is not present in population databases (gnomAD no frequency). This missense change has been observed in individual(s) with Fabry disease (PMID: 31860127). Invitae Evidence Modeling of protein sequence and biophysical properties (such as structural, functional, and spatial information, amino acid conservation, physicochemical variation, residue mobility, and thermodynamic stability) indicates that this missense variant is expected to disrupt GLA protein function with a positive predictive value of 80%. This variant disrupts the p.Tyr216 amino acid residue in GLA. Other variant(s) that disrupt this residue have been determined to be pathogenic (PMID: 19941952, 20367968, 27560961, 28756410). This suggests that this residue is clinically significant, and that variants that disrupt this residue are likely to be disease-causing. In summary, the available evidence is currently insufficient to determine the role of this variant in disease. Therefore, it has been classified as a Variant of Uncertain Significance.

Literature cited by the submitters: PubMed 31860127 (cited by Genomenon, Inc and Labcorp Genetics (formerly Invitae), Labcorp); PubMed 19941952 (cited by Labcorp Genetics (formerly Invitae), Labcorp); PubMed 20367968 (cited by Labcorp Genetics (formerly Invitae), Labcorp); PubMed 27560961 (cited by Labcorp Genetics (formerly Invitae), Labcorp); PubMed 28756410 (cited by Labcorp Genetics (formerly Invitae), Labcorp).

NM_000169.3(GLA):c.647A>C (p.Tyr216Ser)

Genes: GLA (galactosidase alpha; minus strand), RPL36A-HNRNPH2 (RPL36A-HNRNPH2 readthrough; plus strand). Cytogenetic location: Xq22.1.
Variant type: single nucleotide variant.
Coding change: c.647A>C on transcript NM_000169.3 (MANE Select); coding-DNA position 647, A replaced by C.
Protein change: p.Tyr216Ser; replaces tyrosine 216 with serine.
Molecular consequence: missense variant. On other transcripts: non-coding transcript variant (3), intron variant (2).
Genome position (GRCh38, 1-based): chrX:101,398,939, T>G on the plus strand (A>C on the coding strand, the complement: GLA is on the minus strand). VCF-style: chrX-101398939-T-G. GRCh37 (hg19) VCF-style: chrX-100653927-T-G.
Other names: c.770A>C, p.Tyr257Ser (NM_001406747.1); c.647A>C, p.Tyr216Ser (NM_001406748.1); c.300+3482T>G (NM_001199973.2); c.177+7117T>G (NM_001199974.2); short protein forms Y216S, Y257S.
Identifiers: ClinVar variation 3609828 (VCV003609828.3).